The following is an entry in ClinVar:

ClinVar aggregate classification (germline): Uncertain significance (1 of 4 stars; one submission).

gnomAD v4.1: 1 of 1,614,028 alleles (0.000062%); highest among the groups gnomAD compares: South Asian, 0.0011%; no homozygotes.

Submission:

Labcorp Genetics (formerly Invitae), Labcorp
Classification: Uncertain significance. Last evaluated: 2021-04-08. Review status: criteria provided, single submitter. Criteria: Invitae Variant Classification Sherloc (09022015). Collection method: clinical testing. Allele origin: germline.
Comment: In summary, the available evidence is currently insufficient to determine the role of this variant in disease. Therefore, it has been classified as a Variant of Uncertain Significance. This sequence change replaces serine with glycine at codon 1644 of the FAT1 protein (p.Ser1644Gly). The serine residue is weakly conserved and there is a small physicochemical difference between serine and glycine. This variant is not present in population databases (ExAC no frequency). This variant has not been reported in the literature in individuals with FAT1-related conditions. Algorithms developed to predict the effect of missense changes on protein structure and function (SIFT, PolyPhen-2, Align-GVGD) all suggest that this variant is likely to be tolerated, but these predictions have not been confirmed by published functional studies and their clinical significance is uncertain.

NM_005245.4(FAT1):c.4930A>G (p.Ser1644Gly)

Gene: FAT1 (FAT atypical cadherin 1; minus strand). Cytogenetic location: 4q35.2.
Variant type: single nucleotide variant.
Coding change: c.4930A>G on transcript NM_005245.4 (MANE Select); coding-DNA position 4930, A replaced by G.
Protein change: p.Ser1644Gly; replaces serine 1644 with glycine.
Molecular consequence: missense variant.
Genome position (GRCh38, 1-based): chr4:186,621,656, T>C on the plus strand (A>G on the coding strand, the complement: FAT1 is on the minus strand). VCF-style: chr4-186621656-T-C. GRCh37 (hg19) VCF-style: chr4-187542810-T-C.
Other names: short protein forms S1644G.
Identifiers: ClinVar variation 1385969 (VCV001385969.8), dbSNP rs2126527340, ClinGen allele CA358975090.